The following is an entry in ClinVar:

ClinVar aggregate classification (germline): Likely benign. Review status: criteria provided, multiple submitters, no conflicts (2 of 4 stars). 4 submissions from 4 submitters: Likely benign (4). Last evaluated 2025-03-17.

Conditions:
Cardiomyopathy (CMYO). Also called: Cardiomyopathies. Identifiers: Orphanet 167848, MedGen C0878544, MONDO:0004994, HP:0001638. Inheritance: Various modes of inheritance.
Hypertrophic cardiomyopathy. Also called: HYPERTROPHIC MYOCARDIOPATHY. Identifiers: Orphanet 217569, MedGen C0007194, MeSH D002312, MONDO:0005045, HP:0001639.
Cardiovascular phenotype. Identifiers: MedGen CN230736.
Hypertrophic cardiomyopathy 10. Also called: CARDIOMYOPATHY, HYPERTROPHIC, MID-LEFT VENTRICULAR CHAMBER TYPE, 2; MYL2-Related Familial Hypertrophic Cardiomyopathy. Identifiers: MedGen C1834460, MONDO:0012112, OMIM 608758.

Allele frequency attached by ClinVar (database versions not stated): TOPMed 0.00001.
gnomAD v4.1: 1 of 1,613,408 alleles (0.000062%); highest among the groups gnomAD compares: Non-Finnish European, 0.000085%; no homozygotes.

Submissions (4):

Labcorp Genetics (formerly Invitae), Labcorp
Classification: Likely benign for Hypertrophic cardiomyopathy 10. Last evaluated: 2025-03-17. Review status: criteria provided, single submitter. Criteria: Invitae Variant Classification Sherloc (09022015). Collection method: clinical testing. Allele origin: germline.

All of Us Research Program, National Institutes of Health
Classification: Likely benign for Hypertrophic cardiomyopathy. Last evaluated: 2023-06-26. Review status: criteria provided, single submitter. Criteria: ACMG Guidelines, 2015. Collection method: clinical testing. Allele origin: germline. Inheritance: Autosomal dominant inheritance. Observed: 2 variant alleles, 2 heterozygotes.
Comment: This study involves interpretation of variants in research participants for the purpose of population health screening. Participant phenotype was not available at the time of variant classification. Additional details can be found in publication PMID: 35346344, PMCID: PMC8962531

Color Diagnostics, LLC DBA Color Health
Classification: Likely benign for Cardiomyopathy. Last evaluated: 2022-11-06. Review status: criteria provided, single submitter. Criteria: ACMG Guidelines, 2015. Collection method: clinical testing. Allele origin: germline.

Ambry Genetics
Classification: Likely benign for Cardiovascular phenotype. Last evaluated: 2020-02-11. Review status: criteria provided, single submitter. Criteria: Ambry Variant Classification Scheme 2023. Collection method: clinical testing. Allele origin: germline.

NM_000432.4(MYL2):c.420C>T (p.Ala140=)

Gene: MYL2 (myosin light chain 2; minus strand). Cytogenetic location: 12q24.11.
Variant type: single nucleotide variant.
Coding change: c.420C>T on transcript NM_000432.4 (MANE Select); coding-DNA position 420, C replaced by T.
Protein change: p.Ala140=; no amino-acid change (alanine 140 retained).
Molecular consequence: synonymous variant.
Genome position (GRCh38, 1-based): chr12:110,911,158, G>A on the plus strand (C>T on the coding strand, the complement: MYL2 is on the minus strand). VCF-style: chr12-110911158-G-A. GRCh37 (hg19) VCF-style: chr12-111348962-G-A.
Identifiers: ClinVar variation 701398 (VCV000701398.12), dbSNP rs369489428, ClinGen allele CA481750810.
Genomic context (GRCh38, chr12:110,911,158, plus strand): 5'-GGTGATGATGTGCACCAGGTTCTTGTAGTCCAAGTTGCCAGTCACGTCAGGGGGGAAGGC[G>A]GCGAACATCTGGTCAACCTGCAATGAGCCAGCAACACGTGCTAAGGACGAGGGGAGGGGA-3'
Protein context (NP_000423.2, residues 130-150): FSKEEVDQMF[Ala140=]AFPPDVTGNL